The following is an entry in ClinVar:

ClinVar aggregate classification (germline): Uncertain significance (1 of 4 stars; one submission).

Conditions:
Fabry disease. Also called: ALPHA-GALACTOSIDASE A DEFICIENCY; ANDERSON-FABRY DISEASE; CERAMIDE TRIHEXOSIDASE DEFICIENCY; GLA DEFICIENCY; HEREDITARY DYSTOPIC LIPIDOSIS; Angiokeratoma corporis diffusum. Identifiers: Orphanet 324, MedGen C0002986, MONDO:0010526, OMIM 301500, HP:0001071. Disease mechanism: Fabry disease is due to inactivating mutations in the X-linked GLA gene resulting in deficiency of the enzyme Alpha Galactosidase-A., loss of function.

Submission:

Genomenon, Inc
Classification: Uncertain significance for Fabry disease. Last evaluated: 2026-09-08. Review status: criteria provided, single submitter. Criteria: Genomenon Sequence Variant Interpretation Standards - Updated. Collection method: curation. Allele origin: germline. Affected: yes.
Comment: GLA p.Lys374_Gly375delinsArg (c.1121_1123del) is an in-frame deletion-insertion variant resulting in the replacement of Lysine at codon 374 and Glycine at codon 375 with a single Arginine. This variant has been observed in at least one proband with clinical features consistent with Fabry disease (PMID:41526641;16595074;38002959;39182239). The variant was found to segregate with disease in at least one affected family (PMID:38002959). It is absent or not present at a significant frequency in gnomAD. In conclusion, we classify GLA p.Lys374_Gly375delinsArg (c.1121_1123del) as a variant of uncertain significance.

Literature cited by the submitters: PubMed 41526641; PubMed 16595074; PubMed 38002959; PubMed 39182239.

NM_000169.3(GLA):c.1121_1123del (p.Lys374_Gly375delinsArg)

Genes: GLA (galactosidase alpha; minus strand), RPL36A-HNRNPH2 (RPL36A-HNRNPH2 readthrough; plus strand). Cytogenetic location: Xq22.1.
Variant type: Deletion.
Coding change: c.1121_1123del on transcript NM_000169.3 (MANE Select); coding-DNA positions 1121 to 1123, 3 bases deleted (AAG; older notation c.1121_1123delAAG).
Protein change: p.Lys374_Gly375delinsArg.
Molecular consequence: inframe indel. On other transcripts: non-coding transcript variant (3), intron variant (2).
Genome position (GRCh38, 1-based): chrX:101,397,976-101,397,978, CTT deleted on the plus strand (AAG on the coding strand, the reverse complement: GLA is on the minus strand). VCF-style (leftmost placement, unchanged base first): chrX-101397975-CCTT-C. GRCh37 (hg19) VCF-style: chrX-100652963-CCTT-C.
Other names: c.1244_1246del, p.Lys415_Gly416delinsArg (NM_001406747.1); c.300+2519_300+2521del (NM_001199973.2); c.177+6154_177+6156del (NM_001199974.2).
Identifiers: ClinVar variation 4087238 (VCV004087238.2).
Genomic context (GRCh38, chrX:101,397,975, plus strand): 5'-CCTAGCTTCCTTTTCACAGGGAGGAGCTGTGTGATGAAGCAGGCAGGATTACAGGCCACT[CCTT>C]TACCCAGGGAAGCAACTGCGATGGTATAAGAGCGAGGTCCACCAATCTCCTGCCGGTTTA-3'